The following is an entry in ClinVar:

NM_001519.4(BRF1):c.291del (p.Asn98fs)

Gene: BRF1 (BRF1 general transcription factor IIIB subunit; minus strand). Cytogenetic location: 14q32.33.
Variant type: Deletion.
Coding change: c.291del on transcript NM_001519.4 (MANE Select); coding-DNA position 291, one base deleted (G; older notation c.291delG).
Protein change: p.Asn98fs; shifts the reading frame from asparagine 98.
Molecular consequence: frameshift variant. On other transcripts: 5 prime UTR variant (2).
Genome position (GRCh38, 1-based): chr14:105,272,869, C deleted on the plus strand (G on the coding strand, the reverse complement: BRF1 is on the minus strand); the first of 4 consecutive C bases (chr14:105,272,869-105,272,872); deleting any one gives the same sequence. VCF-style (leftmost placement, unchanged base first): chr14-105272868-TC-T. GRCh37 (hg19) VCF-style: chr14-105739205-TC-T.
Other names: c.-55del (NM_001242786.2, NM_001242787.2); c.210del, p.Asn71fs (NM_001242788.2); c.291del, p.Asn98fs (NM_001242790.2); short protein forms N71fs, N98fs.
Identifiers: ClinVar variation 2630302 (VCV002630302.1), dbSNP rs1304024631, ClinGen allele CA616575164.

ClinVar aggregate classification (germline): Likely pathogenic (1 of 4 stars; one submission).

Conditions:
BRF1-related disorder. Also called: BRF1-related condition.

Submission:

PreventionGenetics, part of Exact Sciences
Classification: Likely pathogenic for BRF1-related condition. Last evaluated: 2023-03-17. Review status: criteria provided, single submitter. Criteria: ACMG Guidelines, 2015. Collection method: clinical testing. Allele origin: germline.
Comment: The BRF1 c.291delG variant is predicted to result in a frameshift and premature protein termination (p.Asn98Thrfs*5). To our knowledge, this variant has not been reported in the literature. This variant is reported in 0.0099% of alleles in individuals of Ashkenazi Jewish descent in gnomAD. Frameshift variants in BRF1 are expected to be pathogenic. This variant is interpreted as likely pathogenic.